The following is an entry in ClinVar:

ClinVar aggregate classification (germline): Uncertain significance (1 of 4 stars; one submission).

gnomAD v4.1: 3 of 1,613,956 alleles (0.00019%); highest among the groups gnomAD compares: Non-Finnish European, 0.00025%; no homozygotes.

Submission:

GeneDx
Classification: Uncertain significance. Last evaluated: 2024-12-10. Review status: criteria provided, single submitter. Criteria: GeneDx Variant Classification Process June 2021. Collection method: clinical testing. Allele origin: germline. Affected: yes.
Comment: Not observed at significant frequency in large population cohorts (gnomAD); In silico analysis indicates that this missense variant does not alter protein structure/function; Has not been previously published as pathogenic or benign to our knowledge

NM_015046.7(SETX):c.1844C>A (p.Ser615Tyr)

Gene: SETX (senataxin; minus strand). Cytogenetic location: 9q34.13.
Variant type: single nucleotide variant.
Coding change: c.1844C>A on transcript NM_015046.7 (MANE Select); coding-DNA position 1844, C replaced by A.
Protein change: p.Ser615Tyr; replaces serine 615 with tyrosine.
Molecular consequence: missense variant.
Genome position (GRCh38, 1-based): chr9:132,329,754, G>T on the plus strand (C>A on the coding strand, the complement: SETX is on the minus strand). VCF-style: chr9-132329754-G-T. GRCh37 (hg19) VCF-style: chr9-135205141-G-T.
Other names: c.1844C>A, p.Ser615Tyr (NM_001351527.2, NM_001351528.2); short protein forms S615Y.
Identifiers: ClinVar variation 3902917 (VCV003902917.1).
Genomic context (GRCh38, chr9:132,329,754, plus strand): 5'-ATATCTTTTCTAGACGTCTTCCCCATTTGTTCACTTTCTTCTTTATTATAAGATGCAGGA[G>T]AGATTTTACATGCAGAAGTCAGATCCACAAAAGTGTTACATGGAGGTGCTTTGAATTTTA-3'
Protein context (NP_055861.3, residues 605-625): FVDLTSACKI[Ser615Tyr]PASYNKEESE